The following is an entry in ClinVar:

NM_005609.4(PYGM):c.2032G>C (p.Gly678Arg)

Gene: PYGM (glycogen phosphorylase, muscle associated; minus strand). Cytogenetic location: 11q13.1.
Variant type: single nucleotide variant.
Coding change: c.2032G>C on transcript NM_005609.4 (MANE Select); coding-DNA position 2032, G replaced by C.
Protein change: p.Gly678Arg; replaces glycine 678 with arginine.
Molecular consequence: missense variant.
Genome position (GRCh38, 1-based): chr11:64,750,521, C>G on the plus strand (G>C on the coding strand, the complement: PYGM is on the minus strand). VCF-style: chr11-64750521-C-G. GRCh37 (hg19) VCF-style: chr11-64517993-C-G.
Other names: c.1768G>C, p.Gly590Arg (NM_001164716.1); short protein forms G590R, G678R.
Identifiers: ClinVar variation 1400834 (VCV001400834.6), dbSNP rs755716626, ClinGen allele CA381168036.

ClinVar aggregate classification (germline): Uncertain significance (1 of 4 stars; one submission).

Conditions:
Glycogen storage disease, type V (GSD5). Also called: MUSCLE GLYCOGEN PHOSPHORYLASE DEFICIENCY; MYOPHOSPHORYLASE DEFICIENCY; PYGM DEFICIENCY; McArdle type glycogen storage disease; MCARDLE DISEASE. Identifiers: Orphanet 368, MedGen C0017924, MONDO:0009293, OMIM 232600.

Submission:

Labcorp Genetics (formerly Invitae), Labcorp
Classification: Uncertain significance for Glycogen storage disease, type V. Last evaluated: 2020-11-16. Review status: criteria provided, single submitter. Criteria: Invitae Variant Classification Sherloc (09022015). Collection method: clinical testing. Allele origin: germline.
Comment: This sequence change replaces glycine with arginine at codon 678 of the PYGM protein (p.Gly678Arg). The glycine residue is moderately conserved and there is a moderate physicochemical difference between glycine and arginine. This variant is not present in population databases (ExAC no frequency). This variant has not been reported in the literature in individuals with PYGM-related conditions. Algorithms developed to predict the effect of missense changes on protein structure and function are either unavailable or do not agree on the potential impact of this missense change (SIFT: "Not Available"; PolyPhen-2: "Probably Damaging"; Align-GVGD: "Not Available"). In summary, the available evidence is currently insufficient to determine the role of this variant in disease. Therefore, it has been classified as a Variant of Uncertain Significance.